The following is an entry in ClinVar:

ClinVar aggregate classification (germline): Uncertain significance (1 of 4 stars; one submission).

Conditions:
Metachromatic leukodystrophy (MLD). Also called: SULFATIDE LIPIDOSIS; ARSA DEFICIENCY; CEREBROSIDE SULFATASE DEFICIENCY; METACHROMATIC LEUKOENCEPHALOPATHY; Cerebral sclerosis diffuse metachromatic form; Arylsulfatase A Deficiency. Identifiers: Orphanet 512, MedGen C0023522, MONDO:0018868, OMIM 250100.

Submission:

Myriad Genetics, Inc.
Classification: Uncertain significance for Metachromatic leukodystrophy. Last evaluated: 2026-01-12. Review status: criteria provided, single submitter. Criteria: Myriad Autosomal Dominant, Autosomal Recessive and X-Linked Classification Criteria (2023). Collection method: clinical testing. Allele origin: unknown.
Comment: NM_000487.5(ARSA):c.749G>A(G250E) is a missense variant classified as a variant of uncertain significance in the context of metachromatic leukodystrophy. G250E has not been observed in cases with relevant disease. Relevant functional assessments of this variant are not available in the literature. G250E has not been observed in referenced population frequency databases. In summary, there is insufficient evidence to classify NM_000487.5(ARSA):c.749G>A(G250E) as pathogenic or benign. Please note: this variant was assessed in the context of healthy population screening.

NM_000487.6(ARSA):c.749G>A (p.Gly250Glu)

Gene: ARSA (arylsulfatase A; minus strand). Cytogenetic location: 22q13.33.
Variant type: single nucleotide variant.
Coding change: c.749G>A on transcript NM_000487.6 (MANE Select); coding-DNA position 749, G replaced by A.
Protein change: p.Gly250Glu; replaces glycine 250 with glutamic acid.
Molecular consequence: missense variant.
Genome position (GRCh38, 1-based): chr22:50,626,696, C>T on the plus strand (G>A on the coding strand, the complement: ARSA is on the minus strand). VCF-style: chr22-50626696-C-T. GRCh37 (hg19) VCF-style: chr22-51065124-C-T.
Other names: c.749G>A, p.Gly250Glu (NM_001085425.3, NM_001085426.3, NM_001085427.3); c.491G>A, p.Gly164Glu (NM_001085428.3, NM_001362782.2); short protein forms G250E, G164E.
Identifiers: ClinVar variation 5003241 (VCV005003241.1).